The following is an entry in ClinVar:

NM_000078.3(CETP):c.1302C>A (p.Gly434=)

Gene: CETP (cholesteryl ester transfer protein; plus strand). Cytogenetic location: 16q13.
Variant type: single nucleotide variant.
Coding change: c.1302C>A on transcript NM_000078.3 (MANE Select); coding-DNA position 1302, C replaced by A.
Protein change: p.Gly434=; no amino-acid change (glycine 434 retained).
Molecular consequence: synonymous variant.
Genome position (GRCh38, 1-based): chr16:56,982,218, C>A. VCF-style: chr16-56982218-C-A. GRCh37 (hg19) VCF-style: chr16-57016130-C-A.
Other names: c.1122C>A, p.Gly374= (NM_001286085.2).
Identifiers: ClinVar variation 885655 (VCV000885655.6), dbSNP rs767606464, ClinGen allele CA8071336.

ClinVar aggregate classification (germline): Likely benign. Review status: criteria provided, multiple submitters, no conflicts (2 of 4 stars). 2 submissions from 2 submitters: Likely benign (2). Last evaluated 2024-06-25.

Conditions:
Hyperalphalipoproteinemia 1 (HALP1). Also called: CETP-Related Hyperalphalipoproteinemia; CETP DEFICIENCY. Identifiers: MedGen C3149462, OMIM 143470.

Allele frequency attached by ClinVar (database versions not stated): gnomAD exomes 0.00001 and 0.00002; ExAC 0.00002; TOPMed 0.00002; gnomAD 0.00003.
gnomAD v4.1: 13 of 1,613,982 alleles (0.00081%); highest among the groups gnomAD compares: Non-Finnish European, 0.0011%; no homozygotes.

Submissions (2):

Labcorp Genetics (formerly Invitae), Labcorp
Classification: Likely benign. Last evaluated: 2024-06-25. Review status: criteria provided, single submitter. Criteria: Invitae Variant Classification Sherloc (09022015). Collection method: clinical testing. Allele origin: germline.

Illumina Laboratory Services, Illumina
Classification: Likely benign for Hyperalphalipoproteinemia 1. Last evaluated: 2018-01-13. Review status: criteria provided, single submitter. Criteria: ICSL Variant Classification Criteria 13 December 2019. Collection method: clinical testing. Allele origin: germline.
Comment: This variant was observed in the ICSL laboratory as part of a predisposition screen in an ostensibly healthy population. It had not been previously curated by ICSL or reported in the Human Gene Mutation Database (HGMD: prior to June 1st, 2018), and was therefore a candidate for classification through an automated scoring system. Utilizing variant allele frequency, disease prevalence and penetrance estimates, and inheritance mode, an automated score was calculated to assess if this variant is too frequent to cause the disease. Based on the score and internal cut-off values, a variant classified as likely benign is not then subjected to further curation. The score for this variant resulted in a classification of likely benign for this disease.